The following is an entry in ClinVar:

NM_172364.5(CACNA2D4):c.-72C>T

Gene: CACNA2D4 (calcium voltage-gated channel auxiliary subunit alpha2delta 4; minus strand). Cytogenetic location: 12p13.33.
Variant type: single nucleotide variant.
Coding change: c.-72C>T on transcript NM_172364.5 (MANE Select); 72 bases upstream of the start codon, C replaced by T.
Molecular consequence: 5 prime UTR variant.
Genome position (GRCh38, 1-based): chr12:1,918,545, G>A on the plus strand (C>T on the coding strand, the complement: CACNA2D4 is on the minus strand). VCF-style: chr12-1918545-G-A. GRCh37 (hg19) VCF-style: chr12-2027711-G-A.
Identifiers: ClinVar variation 307875 (VCV000307875.6), dbSNP rs73595529, ClinGen allele CA10640595.

ClinVar aggregate classification (germline): Benign. Review status: criteria provided, multiple submitters, no conflicts (2 of 4 stars). 2 submissions from 2 submitters: Benign (2). Last evaluated 2018-01-12.

Conditions:
Retinal cone dystrophy 4 (RCD4). Identifiers: Orphanet 1872, MedGen C1864849, MONDO:0012507, OMIM 610478.

Allele frequency attached by ClinVar (database versions not stated): gnomAD 0.01013 and 0.01105; 1000 Genomes Project 0.01038; 1000 Genomes Project 30x 0.01046; TOPMed 0.01176.
gnomAD v4.1: 2,824 of 1,233,992 alleles (0.23%); highest among the groups gnomAD compares: African/African-American, 3.6%; 45 homozygotes.

Submissions (2):

Illumina Laboratory Services, Illumina
Classification: Benign for Retinal cone dystrophy 4. Last evaluated: 2018-01-12. Review status: criteria provided, single submitter. Criteria: ICSL Variant Classification Criteria 13 December 2019. Collection method: clinical testing. Allele origin: germline.
Comment: This variant was observed in the ICSL laboratory as part of a predisposition screen in an ostensibly healthy population. It had not been previously curated by ICSL or reported in the Human Gene Mutation Database (HGMD: prior to June 1st, 2018), and was therefore a candidate for classification through an automated scoring system. Utilizing variant allele frequency, disease prevalence and penetrance estimates, and inheritance mode, an automated score was calculated to assess if this variant is too frequent to cause the disease. Based on the score and internal cut-off values, a variant classified as benign is not then subjected to further curation. The score for this variant resulted in a classification of benign for this disease.

Breakthrough Genomics
Classification: Benign. Review status: criteria provided, single submitter. Criteria: ACMG Guidelines, 2015. Collection method: not provided. Allele origin: germline. Inheritance: Autosomal recessive inheritance. Affected: yes.